The following is an entry in ClinVar:

NM_006886.4(ATP5F1E):c.-45G>A

Genes: ATP5F1E (ATP synthase F1 subunit epsilon; minus strand), SLMO2-ATP5E (SLMO2-ATP5E readthrough; minus strand), LOC130066278 (ATAC-STARR-seq lymphoblastoid silent region 13087; plus strand). Cytogenetic location: 20q13.32.
Variant type: single nucleotide variant.
Coding change: c.-45G>A on transcript NM_006886.4 (MANE Select); 45 bases upstream of the start codon, G replaced by A.
Molecular consequence: 5 prime UTR variant.
Genome position (GRCh38, 1-based): chr20:59,032,296, C>T on the plus strand (G>A on the coding strand, the complement: ATP5F1E is on the minus strand). VCF-style: chr20-59032296-C-T. GRCh37 (hg19) VCF-style: chr20-57607351-C-T.
Identifiers: ClinVar variation 515011 (VCV000515011.1), dbSNP rs752136718, ClinGen allele CA658799383.

ClinVar aggregate classification (germline): Likely benign (1 of 4 stars; one submission).

Submission:

GeneDx
Classification: Likely benign. Last evaluated: 2018-02-08. Review status: criteria provided, single submitter. Criteria: GeneDx Variant Classification (06012015). Collection method: clinical testing. Allele origin: germline. Affected: yes.
Comment: This variant is considered likely benign or benign based on one or more of the following criteria: it is a conservative change, it occurs at a poorly conserved position in the protein, it is predicted to be benign by multiple in silico algorithms, and/or has population frequency not consistent with disease.